The following is an entry in ClinVar:

ClinVar aggregate classification (germline): Uncertain significance. Review status: criteria provided, multiple submitters, no conflicts (2 of 4 stars). 3 submissions from 3 submitters: Uncertain significance (2). 1 of the submissions does not count toward it. Last evaluated 2024-07-24.

Conditions:
Neuronal ceroid lipofuscinosis. Also called: Neuronal Ceroid Lipofuscinoses. Identifiers: Orphanet 216, Orphanet 79263, MedGen C0027877, MONDO:0016295. Disease mechanism: loss of function.
Neuronal ceroid lipofuscinosis 8 (CLN8). Also called: CLN8-Related Neuronal Ceroid-Lipofuscinosis. Identifiers: Orphanet 168491, Orphanet 228354, Orphanet 79264, MedGen C1838570, MONDO:0010830, OMIM 600143.

Allele frequency attached by ClinVar (database versions not stated): gnomAD exomes below 0.00001 and 0.00006; TOPMed 0.00002; gnomAD 0.00003.
gnomAD v4.1: 98 of 1,614,142 alleles (0.0061%); highest among the groups gnomAD compares: Non-Finnish European, 0.0079%; no homozygotes.

Submissions (3):

Blueprint Genetics
Classification: Uncertain significance. Last evaluated: 2024-07-24. Review status: criteria provided, single submitter. Criteria: ACMG Guidelines, 2015. Collection method: clinical testing. Allele origin: germline.

Labcorp Genetics (formerly Invitae), Labcorp
Classification: Uncertain significance for Neuronal ceroid lipofuscinosis. Last evaluated: 2022-04-04. Review status: criteria provided, single submitter. Criteria: Invitae Variant Classification Sherloc (09022015). Collection method: clinical testing. Allele origin: germline.
Comment: This sequence change replaces tryptophan, which is neutral and slightly polar, with cysteine, which is neutral and slightly polar, at codon 195 of the CLN8 protein (p.Trp195Cys). This variant is present in population databases (rs778435359, gnomAD 0.002%). This variant has not been reported in the literature in individuals affected with CLN8-related conditions. ClinVar contains an entry for this variant (Variation ID: 972446). Algorithms developed to predict the effect of missense changes on protein structure and function (SIFT, PolyPhen-2, Align-GVGD) all suggest that this variant is likely to be disruptive. In summary, the available evidence is currently insufficient to determine the role of this variant in disease. Therefore, it has been classified as a Variant of Uncertain Significance.

Natera, Inc.
Classification: Uncertain significance for Neuronal ceroid lipofuscinosis 8. Last evaluated: 2020-10-19. Review status: no assertion criteria provided. Collection method: clinical testing. Allele origin: germline. Not counted in ClinVar's aggregate classification.

NM_018941.4(CLN8):c.585G>C (p.Trp195Cys)

Gene: CLN8 (CLN8 transmembrane ER and ERGIC protein; plus strand). Cytogenetic location: 8p23.3.
Variant type: single nucleotide variant.
Coding change: c.585G>C on transcript NM_018941.4 (MANE Select); coding-DNA position 585, G replaced by C.
Protein change: p.Trp195Cys; replaces tryptophan 195 with cysteine.
Molecular consequence: missense variant.
Genome position (GRCh38, 1-based): chr8:1,780,291, G>C. VCF-style: chr8-1780291-G-C. GRCh37 (hg19) VCF-style: chr8-1728457-G-C.
Other names: short protein forms W195C.
Identifiers: ClinVar variation 972446 (VCV000972446.5), dbSNP rs778435359, ClinGen allele CA170448628.
Genomic context (GRCh38, chr8:1,780,291, plus strand): 5'-TTGTCTTCTCTCCATGCAGGCGGGCTGGTCCGAGTCTCTGTTTTGGAAGCTCAACCAGTG[G>C]CTGATGATTCACATGTTTCACTGCCGCATGGTTCTAACCTACCACATGTGGTGGGTGTGT-3'
Protein context (NP_061764.2, residues 185-205): SESLFWKLNQ[Trp195Cys]LMIHMFHCRM